The following is an entry in ClinVar:

NM_016580.4(PCDH12):c.1406C>T (p.Thr469Met)

Genes: PCDH12 (protocadherin 12; minus strand), RNF14 (ring finger protein 14; plus strand). Cytogenetic location: 5q31.3.
Variant type: single nucleotide variant.
Coding change: c.1406C>T on transcript NM_016580.4 (MANE Select); coding-DNA position 1406, C replaced by T.
Protein change: p.Thr469Met; replaces threonine 469 with methionine.
Molecular consequence: missense variant.
Genome position (GRCh38, 1-based): chr5:141,956,446, G>A on the plus strand (C>T on the coding strand, the complement: PCDH12 is on the minus strand). VCF-style: chr5-141956446-G-A. GRCh37 (hg19) VCF-style: chr5-141336011-G-A.
Other names: c.1406C>T (NM_016580.3); short protein forms T469M.
Identifiers: ClinVar variation 2081714 (VCV002081714.6), dbSNP rs542402907, ClinGen allele CA3484408.

ClinVar aggregate classification (germline): Benign. Review status: criteria provided, single submitter (1 of 4 stars). 2 submissions from 2 submitters: Benign (1). 1 of the submissions does not count toward it. Last evaluated 2025-12-02.

Conditions:
PCDH12-related disorder. Also called: PCDH12-related condition.

Allele frequency attached by ClinVar (database versions not stated): TOPMed 0.00009; gnomAD 0.00015; ExAC 0.00043; 1000 Genomes Project 0.00120; 1000 Genomes Project 30x 0.00125.
gnomAD v4.1: 319 of 1,614,218 alleles (0.02%); highest among the groups gnomAD compares: South Asian, 0.25%; 3 homozygotes.

Submissions (2):

Labcorp Genetics (formerly Invitae), Labcorp
Classification: Benign. Last evaluated: 2025-12-02. Review status: criteria provided, single submitter. Criteria: Invitae Variant Classification Sherloc (09022015). Collection method: clinical testing. Allele origin: germline.

PreventionGenetics, part of Exact Sciences
Classification: Likely benign for PCDH12-related condition. Last evaluated: 2022-09-13. Review status: no assertion criteria provided. Collection method: clinical testing. Allele origin: germline. Not counted in ClinVar's aggregate classification.
Comment: This variant is classified as likely benign based on ACMG/AMP sequence variant interpretation guidelines (Richards et al. 2015 PMID: 25741868, with internal and published modifications).